The following is an entry in ClinVar:

ClinVar aggregate classification (germline): Uncertain significance. Review status: criteria provided, multiple submitters, no conflicts (2 of 4 stars). 4 submissions from 4 submitters: Uncertain significance (4). Last evaluated 2026-04-21.

Conditions:
Inborn genetic diseases. Identifiers: MedGen C0950123, MeSH D030342.
POLR1D-related disorder. Also called: POLR1D-related condition.

Allele frequency attached by ClinVar (database versions not stated): TOPMed 0.00002; gnomAD exomes 0.00003 and 0.00007; ExAC 0.00007.
gnomAD v4.1: 19 of 1,613,982 alleles (0.0012%); highest among the groups gnomAD compares: Admixed American, 0.032%; no homozygotes.

Submissions (4):

PreventionGenetics, part of Exact Sciences
Classification: Uncertain significance for POLR1D-related condition. Last evaluated: 2026-04-21. Review status: criteria provided, single submitter. Criteria: ACMG Guidelines, 2015. Collection method: clinical testing. Allele origin: germline.
Comment: The POLR1D c.206G>C variant is predicted to result in the amino acid substitution p.Gly69Ala. To our knowledge, this variant has not been reported in the literature. This variant is reported in 0.049% of alleles in individuals of Latino descent in gnomAD. At this time, the clinical significance of this variant is uncertain due to the absence of conclusive functional and genetic evidence.

GeneDx
Classification: Uncertain significance. Last evaluated: 2025-06-20. Review status: criteria provided, single submitter. Criteria: GeneDx Variant Classification Process June 2021. Collection method: clinical testing. Allele origin: germline.
Comment: In silico analysis supports that this missense variant has a deleterious effect on protein structure/function; Has not been previously published as pathogenic or benign to our knowledge

Labcorp Genetics (formerly Invitae), Labcorp
Classification: Uncertain significance. Last evaluated: 2024-08-06. Review status: criteria provided, single submitter. Criteria: Invitae Variant Classification Sherloc (09022015). Collection method: clinical testing. Allele origin: germline.
Comment: This sequence change replaces glycine, which is neutral and non-polar, with alanine, which is neutral and non-polar, at codon 69 of the POLR1D protein (p.Gly69Ala). This variant is present in population databases (rs761628393, gnomAD 0.04%), and has an allele count higher than expected for a pathogenic variant. This variant has not been reported in the literature in individuals affected with POLR1D-related conditions. ClinVar contains an entry for this variant (Variation ID: 1431348). An algorithm developed to predict the effect of missense changes on protein structure and function (PolyPhen-2) suggests that this variant is likely to be disruptive. In summary, the available evidence is currently insufficient to determine the role of this variant in disease. Therefore, it has been classified as a Variant of Uncertain Significance.

Ambry Genetics
Classification: Uncertain significance for Inborn genetic diseases. Last evaluated: 2024-08-01. Review status: criteria provided, single submitter. Criteria: Ambry Variant Classification Scheme 2023. Collection method: clinical testing. Allele origin: germline.

NM_015972.4(POLR1D):c.206G>C (p.Gly69Ala)

Genes: POLR1D (RNA polymerase I and III subunit D; plus strand), LOC147380392 (uncharacterized LOC147380392; plus strand). Cytogenetic location: 13q12.2.
Variant type: single nucleotide variant.
Coding change: c.206G>C on transcript NM_015972.4 (MANE Select); coding-DNA position 206, G replaced by C.
Protein change: p.Gly69Ala; replaces glycine 69 with alanine.
Molecular consequence: missense variant. On other transcripts: intron variant (2).
Genome position (GRCh38, 1-based): chr13:27,623,054, G>C. VCF-style: chr13-27623054-G-C. GRCh37 (hg19) VCF-style: chr13-28197191-G-C.
Other names: c.206G>C (NM_015972.3); c.206G>C, p.Gly69Ala (NM_001374407.1); c.-59+1914G>C (NM_001206559.2); c.26+1045G>C (NM_152705.3); short protein forms G69A.
Identifiers: ClinVar variation 1431348 (VCV001431348.12), dbSNP rs761628393, ClinGen allele CA6927275.
Genomic context (GRCh38, chr13:27,623,054, plus strand): 5'-ATACCCTAGGAAATTCTCTACGTTACATGATCATGAAGAACCCGGAAGTGGAATTTTGTG[G>C]TTACACTACGACCCATCCTTCAGAGAGCAAAATTAATTTACGCATTCAGACTCGAGGTAC-3'
Protein context (NP_057056.1, residues 59-79): IMKNPEVEFC[Gly69Ala]YTTTHPSESK